The following is an entry in ClinVar:

ClinVar aggregate classification (germline): Uncertain significance (1 of 4 stars; one submission).

gnomAD v4.1: 1 of 1,211,511 alleles (0.000083%); highest among the groups gnomAD compares: Non-Finnish European, 0.00011%; no homozygotes.

Submission:

GeneDx
Classification: Uncertain significance. Last evaluated: 2024-09-19. Review status: criteria provided, single submitter. Criteria: GeneDx Variant Classification Process June 2021. Collection method: clinical testing. Allele origin: germline. Affected: yes.
Comment: In silico analysis supports that this missense variant has a deleterious effect on protein structure/function; Not observed at significant frequency in large population cohorts (gnomAD); Has not been previously published as pathogenic or benign to our knowledge

NM_005629.4(SLC6A8):c.1349G>A (p.Cys450Tyr)

Gene: SLC6A8 (solute carrier family 6 member 8; plus strand). Cytogenetic location: Xq28.
Variant type: single nucleotide variant.
Coding change: c.1349G>A on transcript NM_005629.4 (MANE Select); coding-DNA position 1349, G replaced by A.
Protein change: p.Cys450Tyr; replaces cysteine 450 with tyrosine.
Molecular consequence: missense variant.
Genome position (GRCh38, 1-based): chrX:153,694,224, G>A. VCF-style: chrX-153694224-G-A. GRCh37 (hg19) VCF-style: chrX-152959679-G-A.
Other names: c.1319G>A, p.Cys440Tyr (NM_001142805.2); c.1004G>A, p.Cys335Tyr (NM_001142806.1); short protein forms C335Y, C440Y, C450Y.
Identifiers: ClinVar variation 3774068 (VCV003774068.1).